The following is an entry in ClinVar:

NM_015346.4(ZFYVE26):c.2792del (p.Lys931fs)

Gene: ZFYVE26 (zinc finger FYVE-type containing 26; minus strand). Cytogenetic location: 14q24.1.
Variant type: Deletion.
Coding change: c.2792del on transcript NM_015346.4 (MANE Select); coding-DNA position 2792, one base deleted (A; older notation c.2792delA).
Protein change: p.Lys931fs; shifts the reading frame from lysine 931.
Molecular consequence: frameshift variant.
Genome position (GRCh38, 1-based): chr14:67,789,562, T deleted on the plus strand (A on the coding strand, the reverse complement: ZFYVE26 is on the minus strand); the first of 2 consecutive T bases (chr14:67,789,562-67,789,563); deleting either gives the same sequence. VCF-style (leftmost placement, unchanged base first): chr14-67789561-CT-C. GRCh37 (hg19) VCF-style: chr14-68256278-CT-C.
Other names: short protein forms K931fs.
Identifiers: ClinVar variation 1458142 (VCV001458142.6), dbSNP rs752905387, ClinGen allele CA262859357.

ClinVar aggregate classification (germline): Pathogenic (1 of 4 stars; one submission).

Conditions:
Spastic paraplegia. Identifiers: MedGen C0037772, HP:0001258.

Submission:

Labcorp Genetics (formerly Invitae), Labcorp
Classification: Pathogenic for Spastic paraplegia. Last evaluated: 2022-05-28. Review status: criteria provided, single submitter. Criteria: Invitae Variant Classification Sherloc (09022015). Collection method: clinical testing. Allele origin: germline.
Comment: This sequence change creates a premature translational stop signal (p.Lys931Serfs*19) in the ZFYVE26 gene. It is expected to result in an absent or disrupted protein product. Loss-of-function variants in ZFYVE26 are known to be pathogenic (PMID: 18394578, 19805727). This variant is not present in population databases (gnomAD no frequency). This variant has not been reported in the literature in individuals affected with ZFYVE26-related conditions. ClinVar contains an entry for this variant (Variation ID: 1458142). Algorithms developed to predict the effect of sequence changes on RNA splicing suggest that this variant may create or strengthen a splice site. For these reasons, this variant has been classified as Pathogenic.

Literature cited by the submitters: PubMed 18394578; PubMed 19805727.